The following is an entry in ClinVar:

Conditions:
Long QT syndrome 5 (LQT5). Identifiers: Orphanet 101016, Orphanet 768, MedGen C1867904, MONDO:0013372, OMIM 613695.

Submission:

Roden Lab, Vanderbilt University Medical Center
No classification provided (evidence only). Condition: Long QT syndrome 5. Review status: no classification provided. Collection method: in vitro. Allele origin: not applicable. Functional consequence: Effect on ion channel function.
ClinVar note: "not provided" was previously submitted as the classification for the variant. However, the classification appeared to be based only on an observation of functional data so it was converted to no classification on 2025-07-30.

NM_000219.6(KCNE1):c.63T>G (p.Val21=)

Gene: KCNE1 (potassium voltage-gated channel subfamily E regulatory subunit 1; minus strand). Cytogenetic location: 21q22.12.
Variant type: single nucleotide variant.
Coding change: c.63T>G on transcript NM_000219.6 (MANE Select); coding-DNA position 63, T replaced by G.
Protein change: p.Val21=; no amino-acid change (valine 21 retained).
Molecular consequence: synonymous variant.
Genome position (GRCh38, 1-based): chr21:34,449,572, A>C on the plus strand (T>G on the coding strand, the complement: KCNE1 is on the minus strand). VCF-style: chr21-34449572-A-C. GRCh37 (hg19) VCF-style: chr21-35821870-A-C.
Other names: c.63T>G, p.Val21= (NM_001127668.4, NM_001127669.4, NM_001127670.4 and 4 more transcripts).
Identifiers: ClinVar variation 3373946 (VCV003373946.2).